The following is an entry in ClinVar:

NM_002834.5(PTPN11):c.555A>C (p.Glu185Asp)

Gene: PTPN11 (protein tyrosine phosphatase non-receptor type 11; plus strand). Cytogenetic location: 12q24.13.
Variant type: single nucleotide variant.
Coding change: c.555A>C on transcript NM_002834.5 (MANE Select); coding-DNA position 555, A replaced by C.
Protein change: p.Glu185Asp; replaces glutamic acid 185 with aspartic acid.
Molecular consequence: missense variant.
Genome position (GRCh38, 1-based): chr12:112,454,593, A>C. VCF-style: chr12-112454593-A-C. GRCh37 (hg19) VCF-style: chr12-112892397-A-C.
Other names: c.555A>C, p.Glu185Asp (NM_001330437.2, NM_080601.3); c.552A>C, p.Glu184Asp (NM_001374625.1); short protein forms E184D, E185D.
Identifiers: ClinVar variation 3311379 (VCV003311379.1).
Genomic context (GRCh38, chr12:112,454,593, plus strand): 5'-AATAATAAATGTCATGTGTTTATCTTGAAAGGAACTGAAATACGACGTTGGTGGAGGAGA[A>C]CGGTTTGATTCTTTGACAGATCTTGTGGAACATTATAAGAAGAATCCTATGGTGGAAACA-3'
Protein context (NP_002825.3, residues 175-195): QELKYDVGGG[Glu185Asp]RFDSLTDLVE

ClinVar aggregate classification (germline): Uncertain significance (1 of 4 stars; one submission).

Conditions:
Cardiovascular phenotype. Identifiers: MedGen CN230736.

Submission:

Ambry Genetics
Classification: Uncertain significance for Cardiovascular phenotype. Last evaluated: 2024-03-19. Review status: criteria provided, single submitter. Criteria: Ambry Variant Classification Scheme 2023. Collection method: clinical testing. Allele origin: germline.
Comment: The p.E185D variant (also known as c.555A>C), located in coding exon 5 of the PTPN11 gene, results from an A to C substitution at nucleotide position 555. The glutamic acid at codon 185 is replaced by aspartic acid, an amino acid with highly similar properties. This amino acid position is conserved. In addition, the in silico prediction for this alteration is inconclusive. Based on the available evidence, the clinical significance of this alteration remains unclear.